The following is an entry in ClinVar:

ClinVar aggregate classification (germline): Pathogenic (1 of 4 stars; one submission).

Conditions:
Developmental and epileptic encephalopathy 102. Identifiers: MedGen C5676991, MONDO:0030881, OMIM 619881.

gnomAD v4.1: 2 of 1,608,674 alleles (0.00012%); highest among the groups gnomAD compares: South Asian, 0.0011%; no homozygotes.

Submission:

3billion
Classification: Pathogenic for Developmental and epileptic encephalopathy 102. Last evaluated: 2023-02-23. Review status: criteria provided, single submitter. Criteria: ACMG Guidelines, 2015. Collection method: clinical testing. Allele origin: unknown. Affected: yes.
Comment: The variant is observed at an extremely low frequency in the gnomAD v2.1.1 dataset (total allele frequency: <0.001%). This homozygous variant was predicted to result in a loss or disruption of normal protein function through nonsense-mediated decay (NMD) or protein truncation. Multiple pathogenic variants are reported downstream of the variant. Therefore, this variant is classified as Pathogenic according to the recommendation of ACMG/AMP guideline.

NM_006841.6(SLC38A3):c.187G>T (p.Glu63Ter)

Gene: SLC38A3 (solute carrier family 38 member 3; plus strand). Cytogenetic location: 3p21.31.
Variant type: single nucleotide variant.
Coding change: c.187G>T on transcript NM_006841.6 (MANE Select); coding-DNA position 187, G replaced by T.
Protein change: p.Glu63Ter; replaces glutamic acid 63 with a stop codon.
Molecular consequence: nonsense.
Genome position (GRCh38, 1-based): chr3:50,214,656, G>T. VCF-style: chr3-50214656-G-T. GRCh37 (hg19) VCF-style: chr3-50252088-G-T.
Other names: short protein forms E63*.
Identifiers: ClinVar variation 2444165 (VCV002444165.1), dbSNP rs1437118005, ClinGen allele CA352931040.
Genomic context (GRCh38, chr3:50,214,656, plus strand): 5'-TGCCCCTGTCCCTTGCTGACTCCTCCCACCCTCCCCGTCCCATTCTGGTGCCTGCAGTTC[G>T]AGGGGAAGACATCATTCGGGATGTCAGTGTTCAACCTCAGCAATGCCATCATGGGCAGCG-3'